The following is an entry in ClinVar:

NM_004937.3(CTNS):c.691C>A (p.Gln231Lys)

Genes: CTNS (cystinosin, lysosomal cystine transporter; plus strand), CTNS-AS1 (CTNS antisense RNA 1; minus strand). Cytogenetic location: 17p13.2.
Variant type: single nucleotide variant.
Coding change: c.691C>A on transcript NM_004937.3 (MANE Select); coding-DNA position 691, C replaced by A.
Protein change: p.Gln231Lys; replaces glutamine 231 with lysine.
Molecular consequence: missense variant.
Genome position (GRCh38, 1-based): chr17:3,658,014, C>A. VCF-style: chr17-3658014-C-A. GRCh37 (hg19) VCF-style: chr17-3561308-C-A.
Other names: p.Gln231Lys; c.691C>A, p.Gln231Lys (NM_001031681.3, NM_001374492.1); c.250C>A, p.Gln84Lys (NM_001374493.1, NM_001374494.1, NM_001374495.1 and 1 more transcripts); short protein forms Q231K, Q84K.
Identifiers: ClinVar variation 1497879 (VCV001497879.9), dbSNP rs1463026342, ClinGen allele CA397692199.

ClinVar aggregate classification (germline): Uncertain significance. Review status: criteria provided, multiple submitters, no conflicts (2 of 4 stars). 3 submissions from 3 submitters: Uncertain significance (3). Last evaluated 2024-01-17.

Conditions:
Juvenile nephropathic cystinosis. Also called: Intermediate Cystinosis; CYSTINOSIS, LATE-ONSET JUVENILE OR ADOLESCENT NEPHROPATHIC TYPE; Later-Onset (Juvenile) Cystinosis. Identifiers: Orphanet 213, Orphanet 411634, MedGen C0268626, MONDO:0009066, OMIM 219900.
Inborn genetic diseases. Identifiers: MedGen C0950123, MeSH D030342.
Ocular cystinosis. Also called: Non-Nephropathic Cystinosis; Non-Nephropathic (Ocular) Cystinosis. Identifiers: Orphanet 213, Orphanet 411641, MedGen C2931013, MONDO:0009064, OMIM 219750.
Nephropathic cystinosis (CTNS). Also called: CYSTINOSIN, DEFECT OF; LYSOSOMAL CYSTINE TRANSPORT PROTEIN, DEFECT OF; Abderhalden Lignac Kaufmann disease; Abderhalden-Kaufmann-Lignac syndrome. Identifiers: Orphanet 213, Orphanet 411629, MedGen C2931187, MONDO:0100151, OMIM 219800.

Allele frequency attached by ClinVar (database versions not stated): TOPMed below 0.00001.

Submissions (3):

Mayo Clinic Laboratories, Mayo Clinic
Classification: Uncertain significance. Last evaluated: 2024-01-17. Review status: criteria provided, single submitter. Criteria: ACMG Guidelines, 2015. Collection method: clinical testing. Allele origin: germline. Observed: 1 variant allele.
Comment: PP3, PM2

Fulgent Genetics
Classification: Uncertain significance for Ocular cystinosis; Nephropathic cystinosis; Juvenile nephropathic cystinosis. Last evaluated: 2022-01-28. Review status: criteria provided, single submitter. Criteria: ACMG Guidelines, 2015. Collection method: clinical testing. Allele origin: unknown.

Labcorp Genetics (formerly Invitae), Labcorp
Classification: Uncertain significance for Inborn genetic diseases; Ocular cystinosis; Juvenile nephropathic cystinosis. Last evaluated: 2021-12-02. Review status: criteria provided, single submitter. Criteria: Invitae Variant Classification Sherloc (09022015). Collection method: clinical testing. Allele origin: germline.
Comment: This sequence change replaces glutamine, which is neutral and polar, with lysine, which is basic and polar, at codon 231 of the CTNS protein (p.Gln231Lys). This variant is not present in population databases (gnomAD no frequency). This variant has not been reported in the literature in individuals affected with CTNS-related conditions. Algorithms developed to predict the effect of missense changes on protein structure and function are either unavailable or do not agree on the potential impact of this missense change (SIFT: "Tolerated"; PolyPhen-2: "Probably Damaging"; Align-GVGD: "Class C0"). In summary, the available evidence is currently insufficient to determine the role of this variant in disease. Therefore, it has been classified as a Variant of Uncertain Significance.